The following is an entry in ClinVar:

NM_032383.5(HPS3):c.2089A>G (p.Met697Val)

Gene: HPS3 (HPS3 biogenesis of lysosomal organelles complex 2 subunit 1; plus strand). Cytogenetic location: 3q24.
Variant type: single nucleotide variant.
Coding change: c.2089A>G on transcript NM_032383.5 (MANE Select); coding-DNA position 2089, A replaced by G.
Protein change: p.Met697Val; replaces methionine 697 with valine.
Molecular consequence: missense variant.
Genome position (GRCh38, 1-based): chr3:149,160,262, A>G. VCF-style: chr3-149160262-A-G. GRCh37 (hg19) VCF-style: chr3-148878049-A-G.
Other names: c.1594A>G, p.Met532Val (NM_001308258.2); short protein forms M532V, M697V.
Identifiers: ClinVar variation 2182924 (VCV002182924.1), dbSNP rs1351452283, ClinGen allele CA354923710.

ClinVar aggregate classification (germline): Uncertain significance (1 of 4 stars; one submission).

Allele frequency attached by ClinVar (database versions not stated): gnomAD exomes below 0.00001.
gnomAD v4.1: 1 of 1,612,794 alleles (0.000062%); highest among the groups gnomAD compares: Admixed American, 0.0017%; no homozygotes.

Submission:

Labcorp Genetics (formerly Invitae), Labcorp
Classification: Uncertain significance. Last evaluated: 2021-09-24. Review status: criteria provided, single submitter. Criteria: Invitae Variant Classification Sherloc (09022015). Collection method: clinical testing. Allele origin: germline.
Comment: This sequence change replaces methionine with valine at codon 697 of the HPS3 protein (p.Met697Val). The methionine residue is moderately conserved and there is a small physicochemical difference between methionine and valine. This variant is not present in population databases (ExAC no frequency). This variant has not been reported in the literature in individuals with HPS3-related conditions. Algorithms developed to predict the effect of missense changes on protein structure and function output the following: SIFT: "Tolerated"; PolyPhen-2: "Possibly Damaging"; Align-GVGD: "Class C0". The valine amino acid residue is found in multiple mammalian species, suggesting that this missense change does not adversely affect protein function. These predictions have not been confirmed by published functional studies and their clinical significance is uncertain. In summary, the available evidence is currently insufficient to determine the role of this variant in disease. Therefore, it has been classified as a Variant of Uncertain Significance.